The following is an entry in ClinVar:

NM_001008537.3(NEXMIF):c.3179_3180del (p.Pro1060fs)

Gene: NEXMIF (neurite extension and migration factor; minus strand). Cytogenetic location: Xq13.3.
Variant type: Deletion.
Coding change: c.3179_3180del on transcript NM_001008537.3 (MANE Select); coding-DNA positions 3179 to 3180, 2 bases deleted (CT; older notation c.3179_3180delCT).
Protein change: p.Pro1060fs; shifts the reading frame from proline 1060.
Molecular consequence: frameshift variant.
Genome position (GRCh38, 1-based): chrX:74,741,377-74,741,378, AG deleted on the plus strand (CT on the coding strand, the reverse complement: NEXMIF is on the minus strand). VCF-style (leftmost placement, unchanged base first): chrX-74741376-CAG-C. GRCh37 (hg19) VCF-style: chrX-73961211-CAG-C.
Other names: short protein forms P1060fs.
Identifiers: ClinVar variation 4292915 (VCV004292915.1).

ClinVar aggregate classification (germline): Likely pathogenic (1 of 4 stars; one submission).

Conditions:
X-linked intellectual disability, Cantagrel type (XLID98). Also called: INTELLECTUAL DEVELOPMENTAL DISORDER, X-LINKED 98. Identifiers: Orphanet 85277, MedGen C3806730, MONDO:0010483, OMIM 300912.

Submission:

3billion
Classification: Likely pathogenic for X-linked intellectual disability, Cantagrel type. Last evaluated: 2024-11-21. Review status: criteria provided, single submitter. Criteria: ACMG Guidelines, 2015. Collection method: clinical testing. Allele origin: germline. Affected: yes.
Comment: The variant is not observed in the gnomAD v4.1.0 dataset. Predicted Consequence/Location: Frameshift: predicted to result in a loss or disruption of normal protein function through nonsense-mediated decay (NMD) or protein truncation. Multiple pathogenic variants are reported downstream of the variant. Therefore, this variant is classified as Likely pathogenic according to the recommendation of ACMG/AMP guideline.